The following is an entry in ClinVar:

ClinVar aggregate classification (germline): Uncertain significance (1 of 4 stars; one submission).

Conditions:
Hereditary cancer-predisposing syndrome. Also called: Neoplastic Syndromes, Hereditary; Tumor predisposition; Hereditary neoplastic syndrome; Hereditary Cancer Syndrome. Identifiers: Orphanet 140162, MedGen C0027672, MeSH D009386, MONDO:0015356.

Submission:

Ambry Genetics
Classification: Uncertain significance for Hereditary cancer-predisposing syndrome. Last evaluated: 2023-12-15. Review status: criteria provided, single submitter. Criteria: Ambry Variant Classification Scheme 2023. Collection method: clinical testing. Allele origin: germline.
Comment: The p.A35G variant (also known as c.104C>G), located in coding exon 1 of the VHL gene, results from a C to G substitution at nucleotide position 104. The alanine at codon 35 is replaced by glycine, an amino acid with similar properties. This amino acid position is not well conserved in available vertebrate species. In addition, this alteration is predicted to be tolerated by in silico analysis. Since supporting evidence is limited at this time, the clinical significance of this alteration remains unclear.

NM_000551.4(VHL):c.104C>G (p.Ala35Gly)

Gene: VHL (von Hippel-Lindau tumor suppressor; plus strand). Cytogenetic location: 3p25.3.
Variant type: single nucleotide variant.
Coding change: c.104C>G on transcript NM_000551.4 (MANE Select); coding-DNA position 104, C replaced by G.
Protein change: p.Ala35Gly; replaces alanine 35 with glycine.
Molecular consequence: missense variant. On other transcripts: non-coding transcript variant (1).
Genome position (GRCh38, 1-based): chr3:10,141,951, C>G. VCF-style: chr3-10141951-C-G. GRCh37 (hg19) VCF-style: chr3-10183635-C-G.
Other names: c.104C>G, p.Ala35Gly (NM_001354723.2, NM_198156.3); short protein forms A35G.
Identifiers: ClinVar variation 3232211 (VCV003232211.1), dbSNP rs587780536, ClinGen allele CA351747711.